The following is an entry in ClinVar:

ClinVar aggregate classification (germline): Conflicting classifications of pathogenicity. Review status: criteria provided, conflicting classifications (1 of 4 stars). 5 submissions from 5 submitters: Uncertain significance (4); Likely benign (1). Last evaluated 2026-01-12.

Conditions:
Inborn genetic diseases. Identifiers: MedGen C0950123, MeSH D030342.
Atelosteogenesis type I. Also called: SPONDYLOHUMEROFEMORAL HYPOPLASIA; GIANT CELL CHONDRODYSPLASIA; Atelosteogenesis Type 1 (FLNB-AO1). Identifiers: Orphanet 1190, MedGen C0265283, MONDO:0007167, OMIM 108720.
Boomerang dysplasia. Identifiers: Orphanet 1263, MedGen C0432201, MONDO:0007208, OMIM 112310.
Larsen syndrome (LRS). Also called: Bilateral dislocation of the knees, pes cavus, cylindrically shaped fingers and characteristic facies; Larsen syndrome (FLNB-LS). Identifiers: Orphanet 503, MedGen C0175778, MONDO:0007875, OMIM 150250. Disease mechanism: loss of function.
Atelosteogenesis type III. Also called: Atelosteogenesis Type 3 (FLNB-AO3). Identifiers: Orphanet 56305, MedGen C3668942, MONDO:0007168, OMIM 108721.
Spondylocarpotarsal synostosis syndrome (SCT). Also called: SPONDYLOCARPOTARSAL SYNDROME; VERTEBRAL FUSION WITH CARPAL COALITION; Synspondylism congenital; Scoliosis, congenital with unilateral unsegmented bar; Spondylocarpotarsal Synostosis Syndrome (FLNB-SCT). Identifiers: Orphanet 3275, MedGen C1848934, MONDO:0010094, OMIM 272460.

Allele frequency attached by ClinVar (database versions not stated): gnomAD 0.00001; gnomAD exomes 0.00001 and 0.00002; TOPMed 0.00001.
gnomAD v4.1: 22 of 1,614,062 alleles (0.0014%); highest among the groups gnomAD compares: East Asian, 0.0045%; no homozygotes.

Submissions (5):

Labcorp Genetics (formerly Invitae), Labcorp
Classification: Likely benign. Last evaluated: 2026-01-12. Review status: criteria provided, single submitter. Criteria: Invitae Variant Classification Sherloc (09022015). Collection method: clinical testing. Allele origin: germline.

Ambry Genetics
Classification: Uncertain significance for Inborn genetic diseases. Last evaluated: 2021-03-16. Review status: criteria provided, single submitter. Criteria: Ambry Variant Classification Scheme 2023. Collection method: clinical testing. Allele origin: germline.
Comment: The c.4724C>T (p.T1575M) alteration is located in exon 28 (coding exon 28) of the FLNB gene. This alteration results from a C to T substitution at nucleotide position 4724, causing the threonine (T) at amino acid position 1575 to be replaced by a methionine (M). The p.T1575M alteration is predicted to be deleterious by in silico analysis. Based on insufficient or conflicting evidence, the clinical significance of this alteration remains unclear.

Blueprint Genetics
Classification: Uncertain significance. Last evaluated: 2019-11-14. Review status: criteria provided, single submitter. Criteria: ACMG Guidelines, 2015. Collection method: clinical testing. Allele origin: germline.

CeGaT Center for Human Genetics Tuebingen
Classification: Uncertain significance. Last evaluated: 2019-08-01. Review status: criteria provided, single submitter. Criteria: CeGaT Center For Human Genetics Tuebingen Variant Classification Criteria Version 2. Collection method: clinical testing. Allele origin: germline. Affected: yes. Observed: 2 variant alleles.

Juno Genomics, Hangzhou Juno Genomics, Inc
Classification: Uncertain significance for Atelosteogenesis type I; Atelosteogenesis type III; Boomerang dysplasia; Larsen syndrome; Spondylocarpotarsal synostosis syndrome. Review status: criteria provided, single submitter. Criteria: ACMG Guidelines, 2015. Collection method: clinical testing. Allele origin: germline.
Comment: Missense variant in a gene that has a low rate of benign missense variation.;Multiple lines of computational evidence support a deleterious effect on the gene or gene product.;Absent from controls (or at extremely low frequency if recessive) in Genome Aggregation Database.

NM_001457.4(FLNB):c.4724C>T (p.Thr1575Met)

Gene: FLNB (filamin B; plus strand). Cytogenetic location: 3p14.3.
Variant type: single nucleotide variant.
Coding change: c.4724C>T on transcript NM_001457.4 (MANE Select); coding-DNA position 4724, C replaced by T.
Protein change: p.Thr1575Met; replaces threonine 1575 with methionine.
Molecular consequence: missense variant.
Genome position (GRCh38, 1-based): chr3:58,136,031, C>T. VCF-style: chr3-58136031-C-T. GRCh37 (hg19) VCF-style: chr3-58121758-C-T.
Other names: c.4817C>T, p.Thr1606Met (NM_001164317.2); c.4724C>T, p.Thr1575Met (NM_001164318.2, NM_001164319.2); c.4724C>T (NM_001457.3); short protein forms T1606M, T1575M.
Identifiers: ClinVar variation 871255 (VCV000871255.47), dbSNP rs776237096, ClinGen allele CA75459530.